The following is an entry in ClinVar:

ClinVar aggregate classification (germline): Likely benign (1 of 4 stars; one submission).

Allele frequency attached by ClinVar (database versions not stated): gnomAD exomes below 0.00001.
gnomAD v4.1: 4 of 1,613,900 alleles (0.00025%); highest among the groups gnomAD compares: Non-Finnish European, 0.00025%; no homozygotes.

Submission:

CeGaT Center for Human Genetics Tuebingen
Classification: Likely benign. Last evaluated: 2022-10-01. Review status: criteria provided, single submitter. Criteria: CeGaT Center For Human Genetics Tuebingen Variant Classification Criteria Version 2. Collection method: clinical testing. Allele origin: germline. Affected: yes. Observed: 1 variant allele.
Comment: MUC4: PM2:Supporting, BP4, BP7

NM_018406.7(MUC4):c.2778C>A (p.Ser926=)

Gene: MUC4 (mucin 4, cell surface associated). Cytogenetic location: 3q29.
Variant type: single nucleotide variant.
Coding change: c.2778C>A on transcript NM_018406.7 (MANE Select); coding-DNA position 2778, C replaced by A.
Protein change: p.Ser926=; no amino-acid change (serine 926 retained).
Molecular consequence: synonymous variant. On other transcripts: genic upstream transcript variant (2).
Genome position (GRCh38, 1-based): chr3:195,788,802, G>T on the plus strand (C>A on the coding strand, the complement: MUC4 is on the minus strand). VCF-style: chr3-195788802-G-T. GRCh37 (hg19) VCF-style: chr3-195515673-G-T.
Other names: c.2793C>A, p.Ser931= (NM_001322468.1); c.83-14497C>A (NM_138297.5); c.83-10347C>A (NM_004532.6).
Identifiers: ClinVar variation 2654486 (VCV002654486.24), dbSNP rs2474794620, ClinGen allele CA438043460.